The following is an entry in ClinVar:

ClinVar aggregate classification (germline): Uncertain significance. Review status: criteria provided, multiple submitters, no conflicts (2 of 4 stars). 3 submissions from 3 submitters: Uncertain significance (3). Last evaluated 2023-04-17.

Conditions:
Pyknodysostosis. Also called: Pycnodysostosis. Identifiers: Orphanet 763, MedGen C0238402, MONDO:0009940, OMIM 265800.
Inborn genetic diseases. Identifiers: MedGen C0950123, MeSH D030342.

Allele frequency attached by ClinVar (database versions not stated): gnomAD exomes below 0.00001; ExAC 0.00002; gnomAD 0.00002; TOPMed 0.00004; 1000 Genomes Project 30x 0.00016; 1000 Genomes Project 0.00020.
gnomAD v4.1: 9 of 1,614,102 alleles (0.00056%); highest among the groups gnomAD compares: East Asian, 0.018%; no homozygotes.

Submissions (3):

Ambry Genetics
Classification: Uncertain significance for Inborn genetic diseases. Last evaluated: 2023-04-17. Review status: criteria provided, single submitter. Criteria: Ambry Variant Classification Scheme 2023. Collection method: clinical testing. Allele origin: germline.

Genome-Nilou Lab
Classification: Uncertain significance for Pyknodysostosis. Last evaluated: 2023-04-11. Review status: criteria provided, single submitter. Criteria: ACMG Guidelines, 2015. Collection method: clinical testing. Allele origin: germline. Affected: no.

Labcorp Genetics (formerly Invitae), Labcorp
Classification: Uncertain significance. Last evaluated: 2021-09-24. Review status: criteria provided, single submitter. Criteria: Invitae Variant Classification Sherloc (09022015). Collection method: clinical testing. Allele origin: germline.
Comment: This sequence change replaces methionine with isoleucine at codon 211 of the CTSK protein (p.Met211Ile). The methionine residue is moderately conserved and there is a small physicochemical difference between methionine and isoleucine. This variant is present in population databases (rs201800918, ExAC 0.03%). This variant has not been reported in the literature in individuals with CTSK-related conditions. Algorithms developed to predict the effect of missense changes on protein structure and function (SIFT, PolyPhen-2, Align-GVGD) all suggest that this variant is likely to be tolerated, but these predictions have not been confirmed by published functional studies and their clinical significance is uncertain. In summary, the available evidence is currently insufficient to determine the role of this variant in disease. Therefore, it has been classified as a Variant of Uncertain Significance.

NM_000396.4(CTSK):c.633G>A (p.Met211Ile)

Gene: CTSK (cathepsin K; minus strand). Cytogenetic location: 1q21.3.
Variant type: single nucleotide variant.
Coding change: c.633G>A on transcript NM_000396.4 (MANE Select); coding-DNA position 633, G replaced by A.
Protein change: p.Met211Ile; replaces methionine 211 with isoleucine.
Molecular consequence: missense variant.
Genome position (GRCh38, 1-based): chr1:150,799,695, C>T on the plus strand (G>A on the coding strand, the complement: CTSK is on the minus strand). VCF-style: chr1-150799695-C-T. GRCh37 (hg19) VCF-style: chr1-150772171-C-T.
Other names: c.633G>A (NM_000396.3); short protein forms M211I.
Identifiers: ClinVar variation 2194206 (VCV002194206.4), dbSNP rs201800918, ClinGen allele CA1080465.